The following is an entry in ClinVar:

NM_172240.3(POC1B):c.685G>A (p.Gly229Ser)

Genes: POC1B-DUSP6 (POC1B-DUSP6 readthrough; minus strand), POC1B (POC1 centriolar protein B; minus strand). Cytogenetic location: 12q21.33.
Variant type: single nucleotide variant.
Coding change: c.685G>A on transcript NM_172240.3 (MANE Select); coding-DNA position 685, G replaced by A.
Protein change: p.Gly229Ser; replaces glycine 229 with serine.
Molecular consequence: missense variant. On other transcripts: non-coding transcript variant (2).
Genome position (GRCh38, 1-based): chr12:89,470,486, C>T on the plus strand (G>A on the coding strand, the complement: POC1B is on the minus strand). VCF-style: chr12-89470486-C-T. GRCh37 (hg19) VCF-style: chr12-89864263-C-T.
Other names: c.559G>A, p.Gly187Ser (NM_001199777.2); short protein forms G187S, G229S.
Identifiers: ClinVar variation 957415 (VCV000957415.8), dbSNP rs777935288, ClinGen allele CA6714421.
Genomic context (GRCh38, chr12:89,470,486, plus strand): 5'-CTGAAGAAGCTGTGATGAGATAGTTACCCGAAGGATGGAATGATATGCAATTAACTCCAC[C>T]GCTGTGAACTGATTTGTAGAAAATAAAAGCAAAAAGTTCAGAGAACAATTCTTACTTTTG-3'
Protein context (NP_758440.1, residues 219-239): KLLQHYQVHS[Gly229Ser]GVNCISFHPS

ClinVar aggregate classification (germline): Uncertain significance. Review status: criteria provided, multiple submitters, no conflicts (2 of 4 stars). 2 submissions from 2 submitters: Uncertain significance (2). Last evaluated 2025-12-16.

Conditions:
Inborn genetic diseases. Identifiers: MedGen C0950123, MeSH D030342.

Allele frequency attached by ClinVar (database versions not stated): gnomAD exomes 0.00002 and 0.00001; ExAC 0.00002; TOPMed below 0.00001.

Submissions (2):

Ambry Genetics
Classification: Uncertain significance for Inborn genetic diseases. Last evaluated: 2025-12-16. Review status: criteria provided, single submitter. Criteria: Ambry Variant Classification Scheme 2023. Collection method: clinical testing. Allele origin: germline.

Labcorp Genetics (formerly Invitae), Labcorp
Classification: Uncertain significance. Last evaluated: 2021-08-13. Review status: criteria provided, single submitter. Criteria: Invitae Variant Classification Sherloc (09022015). Collection method: clinical testing. Allele origin: germline.
Comment: This sequence change replaces glycine with serine at codon 229 of the POC1B protein (p.Gly229Ser). The glycine residue is weakly conserved and there is a small physicochemical difference between glycine and serine. This variant is present in population databases (rs777935288, ExAC 0.009%). This variant has not been reported in the literature in individuals affected with POC1B-related conditions. Algorithms developed to predict the effect of missense changes on protein structure and function output the following: SIFT: "Tolerated"; PolyPhen-2: "Benign"; Align-GVGD: "Class C0". The serine amino acid residue is found in multiple mammalian species, which suggests that this missense change does not adversely affect protein function. In summary, the available evidence is currently insufficient to determine the role of this variant in disease. Therefore, it has been classified as a Variant of Uncertain Significance.